The following is an entry in ClinVar:

ClinVar aggregate classification (germline): Uncertain significance (1 of 4 stars; one submission).

Allele frequency attached by ClinVar (database versions not stated): gnomAD exomes below 0.00001 and 0.00001; TOPMed 0.00001.
gnomAD v4.1: 13 of 1,613,316 alleles (0.00081%); highest among the groups gnomAD compares: South Asian, 0.0011%; no homozygotes.

Submission:

Labcorp Genetics (formerly Invitae), Labcorp
Classification: Uncertain significance. Last evaluated: 2022-10-13. Review status: criteria provided, single submitter. Criteria: Invitae Variant Classification Sherloc (09022015). Collection method: clinical testing. Allele origin: germline.
Comment: This sequence change replaces proline, which is neutral and non-polar, with leucine, which is neutral and non-polar, at codon 192 of the SPP2 protein (p.Pro192Leu). This variant is present in population databases (no rsID available, gnomAD 0.007%). This variant has not been reported in the literature in individuals affected with SPP2-related conditions. ClinVar contains an entry for this variant (Variation ID: 1005214). Algorithms developed to predict the effect of missense changes on protein structure and function output the following: SIFT: "Tolerated"; PolyPhen-2: "Benign"; Align-GVGD: "Class C0". The leucine amino acid residue is found in multiple mammalian species, which suggests that this missense change does not adversely affect protein function. In summary, the available evidence is currently insufficient to determine the role of this variant in disease. Therefore, it has been classified as a Variant of Uncertain Significance.

NM_006944.3(SPP2):c.575C>T (p.Pro192Leu)

Gene: SPP2 (secreted phosphoprotein 2; plus strand). Cytogenetic location: 2q37.1.
Variant type: single nucleotide variant.
Coding change: c.575C>T on transcript NM_006944.3 (MANE Select); coding-DNA position 575, C replaced by T.
Protein change: p.Pro192Leu; replaces proline 192 with leucine.
Molecular consequence: missense variant.
Genome position (GRCh38, 1-based): chr2:234,069,952, C>T. VCF-style: chr2-234069952-C-T. GRCh37 (hg19) VCF-style: chr2-234978596-C-T.
Other names: short protein forms P192L.
Identifiers: ClinVar variation 1005214 (VCV001005214.8), dbSNP rs915089963, ClinGen allele CA67663433.